The following is an entry in ClinVar:

NM_206933.4(USH2A):c.3158-2A>G

Genes: USH2A (usherin; minus strand), USH2A-AS1 (USH2A antisense RNA 1; plus strand). Cytogenetic location: 1q41.
Variant type: single nucleotide variant.
Coding change: c.3158-2A>G on transcript NM_206933.4 (MANE Select); the canonical splice acceptor site of the intron before coding-DNA position 3158, A replaced by G.
Molecular consequence: splice acceptor variant.
Genome position (GRCh38, 1-based): chr1:216,207,433, T>C on the plus strand (A>G on the coding strand, the complement: USH2A is on the minus strand). VCF-style: chr1-216207433-T-C. GRCh37 (hg19) VCF-style: chr1-216380775-T-C.
Other names: c.3158-2A>G (NM_007123.6).
Identifiers: ClinVar variation 236533 (VCV000236533.2), dbSNP rs878853404, ClinGen allele CA10581645.
Genomic context (GRCh38, chr1:216,207,433, plus strand): 5'-GAGATTGATAGCAGAAGAACTTTGAACTTGTCCTCTGGGCGGAGGTTGCTGGAATGGAGC[T>C]AAATTACAATGAAGAGAGCATTTATTAGCAAAGCAATCAATAAACAGAAAAGCAAACTGA-3'

ClinVar aggregate classification (germline): Pathogenic. Review status: criteria provided, single submitter (1 of 4 stars). 2 submissions from 1 submitter: Pathogenic (1). 1 of the submissions does not count toward it. Last evaluated 2019-02-01.

Conditions:
Retinal dystrophy. Also called: Inherited retinal dystrophy. Identifiers: Orphanet 71862, MedGen C0854723, MeSH D058499, MONDO:0019118, HP:0000556.
Usher syndrome type 2A. Also called: RETINAL DISEASE IN USHER SYNDROME TYPE IIA, MODIFIER OF; USHER SYNDROME, TYPE IIA. Identifiers: Orphanet 231178, Orphanet 886, MedGen C1848634, MONDO:0010169, OMIM 276901.

Submissions (2):

Centre for Genomic Medicine, Manchester, Central Manchester University Hospitals
Classification: Pathogenic for Usher syndrome type 2A. Last evaluated: 2019-02-01. Review status: criteria provided, single submitter. Criteria: ACMG Guidelines, 2015. Collection method: clinical testing. Allele origin: germline. Affected: yes. Observed: 1 variant allele, 1 compound heterozygote.

Centre for Genomic Medicine, Manchester, Central Manchester University Hospitals
Classification: Uncertain significance for Retinal dystrophy. Review status: flagged submission. Collection method: clinical testing. Allele origin: germline. Affected: yes. Not counted in ClinVar's aggregate classification.
ClinVar note: Reason: Unnecessary conflicting claim for distinct condition when other classifications are more relevant